The following is an entry in ClinVar:

NM_001701.4(BAAT):c.*1701G>C

Gene: BAAT (bile acid-CoA:amino acid N-acyltransferase; minus strand). Cytogenetic location: 9q31.1.
Variant type: single nucleotide variant.
Coding change: c.*1701G>C on transcript NM_001701.4 (MANE Select); 1701 bases downstream of the stop codon, G replaced by C.
Molecular consequence: 3 prime UTR variant.
Genome position (GRCh38, 1-based): chr9:101,360,727, C>G on the plus strand (G>C on the coding strand, the complement: BAAT is on the minus strand). VCF-style: chr9-101360727-C-G. GRCh37 (hg19) VCF-style: chr9-104123009-C-G.
Other names: c.*1701G>C (NM_001127610.2, NM_001374715.1).
Identifiers: ClinVar variation 364251 (VCV000364251.5), dbSNP rs144108294, ClinGen allele CA10626046.

ClinVar aggregate classification (germline): Likely benign (1 of 4 stars; one submission).

Conditions:
Hypercholanemia, familial 1 (FHCA1). Identifiers: Orphanet 238475, MedGen C5542604, MONDO:0031446, OMIM 607748.

Allele frequency attached by ClinVar (database versions not stated): gnomAD 0.00037 and 0.00058; TOPMed 0.00087; 1000 Genomes Project 30x 0.00187; 1000 Genomes Project 0.00240.

Submission:

Illumina Laboratory Services, Illumina
Classification: Likely benign for Hypercholanemia, familial 1. Last evaluated: 2018-01-13. Review status: criteria provided, single submitter. Criteria: ICSL Variant Classification Criteria 13 December 2019. Collection method: clinical testing. Allele origin: germline.
Comment: This variant was observed in the ICSL laboratory as part of a predisposition screen in an ostensibly healthy population. It had not been previously curated by ICSL or reported in the Human Gene Mutation Database (HGMD: prior to June 1st, 2018), and was therefore a candidate for classification through an automated scoring system. Utilizing variant allele frequency, disease prevalence and penetrance estimates, and inheritance mode, an automated score was calculated to assess if this variant is too frequent to cause the disease. Based on the score and internal cut-off values, a variant classified as likely benign is not then subjected to further curation. The score for this variant resulted in a classification of likely benign for this disease.